The following is an entry in ClinVar:

NM_001348800.3(ZBTB20):c.155C>A (p.Thr52Lys)

Genes: ZBTB20 (zinc finger and BTB domain containing 20; minus strand), ZBTB20-AS1 (ZBTB20 antisense RNA 1; plus strand). Cytogenetic location: 3q13.31.
Variant type: single nucleotide variant.
Coding change: c.155C>A on transcript NM_001348800.3 (MANE Select); coding-DNA position 155, C replaced by A.
Protein change: p.Thr52Lys; replaces threonine 52 with lysine.
Molecular consequence: missense variant. On other transcripts: 5 prime UTR variant (12), non-coding transcript variant (1).
Genome position (GRCh38, 1-based): chr3:114,380,261, G>T on the plus strand (C>A on the coding strand, the complement: ZBTB20 is on the minus strand). VCF-style: chr3-114380261-G-T. GRCh37 (hg19) VCF-style: chr3-114099108-G-T.
Other names: c.155C>A, p.Thr52Lys (NM_001164342.2, NM_001348803.3, NM_001393393.1 and 1 more transcripts); c.-65C>A (NM_001164343.2, NM_001164344.4, NM_001164345.4 and 9 more transcripts); short protein forms T52K.
Identifiers: ClinVar variation 1309493 (VCV001309493.2), dbSNP rs573978447, ClinGen allele CA354021510.

ClinVar aggregate classification (germline): Uncertain significance (1 of 4 stars; one submission).

Submission:

GeneDx
Classification: Uncertain significance. Last evaluated: 2019-10-18. Review status: criteria provided, single submitter. Criteria: GeneDx Variant Classification Process June 2021. Collection method: clinical testing. Allele origin: germline. Affected: yes.
Comment: Not observed in large population cohorts (Lek et al., 2016); In silico analysis, which includes protein predictors and evolutionary conservation, supports that this variant does not alter protein structure/function; Has not been previously published as pathogenic or benign to our knowledge